The following is an entry in ClinVar:

NC_000008.10:g.(?_100654019)_(100673739_?)del

Gene: VPS13B (vacuolar protein sorting 13 homolog B; plus strand). Cytogenetic location: 8q22.2.
Variant type: Deletion.
Identifiers: ClinVar variation 1068728 (VCV001068728.1).

ClinVar aggregate classification (germline): Pathogenic (1 of 4 stars; one submission).

Conditions:
Cohen syndrome (COH1). Also called: PEPPER SYNDROME; Cutis verticis gyrata, retinitis pigmentosa, and sensorineural deafness. Identifiers: Orphanet 193, MedGen C0265223, MONDO:0008999, OMIM 216550.

Submission:

Labcorp Genetics (formerly Invitae), Labcorp
Classification: Pathogenic for Cohen syndrome. Last evaluated: 2020-02-26. Review status: criteria provided, single submitter. Criteria: Invitae Variant Classification Sherloc (09022015). Collection method: clinical testing. Allele origin: germline.
Comment: This variant is an out-of-frame deletion of the genomic region encompassing exons 34-35 of the VPS13B gene. This is expected to create a premature translational stop signal and result in an absent or disrupted protein product. This variant has not been reported in the literature in individuals with VPS13B-related conditions. Loss-of-function variants in VPS13B are known to be pathogenic (PMID: 15141358, 16648375, 20461111). For these reasons, this variant has been classified as Pathogenic.

Literature cited by the submitters: PubMed 15141358; PubMed 16648375; PubMed 20461111.